The following is an entry in ClinVar:

NM_017777.4(MKS1):c.1042_1044delinsCT (p.Phe348fs)

Gene: MKS1 (MKS transition zone complex subunit 1; minus strand). Cytogenetic location: 17q22.
Variant type: Indel.
Coding change: c.1042_1044delinsCT on transcript NM_017777.4 (MANE Select); coding-DNA positions 1042 to 1044, TTC replaced by CT.
Protein change: p.Phe348fs; shifts the reading frame from phenylalanine 348.
Molecular consequence: frameshift variant.
Genome position (GRCh38, 1-based): chr17:58,208,564-58,208,566, GAA replaced by AG on the plus strand (TTC replaced by CT on the coding strand, the reverse complement: MKS1 is on the minus strand). VCF-style: chr17-58208564-GAA-AG. GRCh37 (hg19) VCF-style: chr17-56285925-GAA-AG.
Other names: c.433_435delinsCT, p.Phe145fs (NM_001321268.2); c.1042_1044delinsCT, p.Phe348fs (NM_001321269.2, NM_001330397.2, NM_001411113.1); short protein forms F145fs, F348fs.
Identifiers: ClinVar variation 5011357 (VCV005011357.1).

ClinVar aggregate classification (germline): Pathogenic (1 of 4 stars; one submission).

Conditions:
Ciliopathy. Also called: Ciliopathies. Identifiers: Orphanet 363250, MedGen C4277690, MONDO:0005308, MeSH D000072661.

Submission:

Myriad Genetics, Inc.
Classification: Pathogenic for Ciliopathy. Last evaluated: 2023-08-15. Review status: criteria provided, single submitter. Criteria: Myriad Autosomal Dominant, Autosomal Recessive and X-Linked Classification Criteria (2023). Collection method: clinical testing. Allele origin: unknown.
Comment: NM_017777.3(MKS1):c.1042_1044delTTCinsCT(F348Lfs*7) is expected to be pathogenic in the context of MKS1-related disorders. This variant is predicted to lead to an abnormal or absent protein product due to the creation of a premature termination codon in MKS1, a gene where loss-of-function variants are known to be pathogenic. Please note: this variant was assessed in the context of healthy population screening.